The following is an entry in ClinVar:

NM_001364905.1(LRBA):c.3863C>T (p.Ala1288Val)

Gene: LRBA (LPS responsive beige-like anchor protein; minus strand). Cytogenetic location: 4q31.3.
Variant type: single nucleotide variant.
Coding change: c.3863C>T on transcript NM_001364905.1 (MANE Select); coding-DNA position 3863, C replaced by T.
Protein change: p.Ala1288Val; replaces alanine 1288 with valine.
Molecular consequence: missense variant.
Genome position (GRCh38, 1-based): chr4:150,850,865, G>A on the plus strand (C>T on the coding strand, the complement: LRBA is on the minus strand). VCF-style: chr4-150850865-G-A. GRCh37 (hg19) VCF-style: chr4-151772017-G-A.
Other names: c.3863C>T, p.Ala1288Val (NM_001199282.3, NM_001367550.1, NM_006726.5); short protein forms A1288V.
Identifiers: ClinVar variation 1370669 (VCV001370669.6), dbSNP rs987760980, ClinGen allele CA107813084.
Genomic context (GRCh38, chr4:150,850,865, plus strand): 5'-TCAGGAATACGAAACACAGTAGATCTGGAATCCCTCCTTTGTCCATTAACTGCATCTGGT[G>A]CTATTCCTTGCCCTGGCTGCTCATGTTGCCTTGATATCTAATACAGAAATTTAAAAAGTA-3'
Protein context (NP_001351834.1, residues 1278-1298): RQHEQPGQGI[Ala1288Val]PDAVNGQRRD

ClinVar aggregate classification (germline): Uncertain significance. Review status: criteria provided, multiple submitters, no conflicts (2 of 4 stars). 2 submissions from 2 submitters: Uncertain significance (2). Last evaluated 2023-03-15.

Conditions:
Combined immunodeficiency due to LRBA deficiency. Also called: Common variable immunodeficiency 8, with autoimmunity. Identifiers: Orphanet 445018, MedGen C3553512, MONDO:0013863, OMIM 614700.

Allele frequency attached by ClinVar (database versions not stated): gnomAD exomes 0.00002 and 0.00006.
gnomAD v4.1: 89 of 1,612,988 alleles (0.0055%); highest among the groups gnomAD compares: Non-Finnish European, 0.0072%; no homozygotes.

Submissions (2):

Blueprint Genetics
Classification: Uncertain significance. Last evaluated: 2023-03-15. Review status: criteria provided, single submitter. Criteria: ACMG Guidelines, 2015. Collection method: clinical testing. Allele origin: germline.

Labcorp Genetics (formerly Invitae), Labcorp
Classification: Uncertain significance for Combined immunodeficiency due to LRBA deficiency. Last evaluated: 2021-09-24. Review status: criteria provided, single submitter. Criteria: Invitae Variant Classification Sherloc (09022015). Collection method: clinical testing. Allele origin: germline.
Comment: This sequence change replaces alanine with valine at codon 1288 of the LRBA protein (p.Ala1288Val). The alanine residue is weakly conserved and there is a small physicochemical difference between alanine and valine. This variant is not present in population databases (ExAC no frequency). This variant has not been reported in the literature in individuals with LRBA-related conditions. Algorithms developed to predict the effect of missense changes on protein structure and function output the following: SIFT: "Deleterious"; PolyPhen-2: "Benign"; Align-GVGD: "Class C0". The valine amino acid residue is found in multiple mammalian species, suggesting that this missense change does not adversely affect protein function. These predictions have not been confirmed by published functional studies and their clinical significance is uncertain. In summary, the available evidence is currently insufficient to determine the role of this variant in disease. Therefore, it has been classified as a Variant of Uncertain Significance.